The following is an entry in ClinVar:

ClinVar aggregate classification (germline): Uncertain significance (1 of 4 stars; one submission).

Allele frequency attached by ClinVar (database versions not stated): gnomAD exomes below 0.00001.
gnomAD v4.1: 1 of 1,612,146 alleles (0.000062%); highest among the groups gnomAD compares: Non-Finnish European, 0.000085%; no homozygotes.

Submission:

Labcorp Genetics (formerly Invitae), Labcorp
Classification: Uncertain significance. Last evaluated: 2022-04-21. Review status: criteria provided, single submitter. Criteria: Invitae Variant Classification Sherloc (09022015). Collection method: clinical testing. Allele origin: germline.
Comment: In summary, the available evidence is currently insufficient to determine the role of this variant in disease. Therefore, it has been classified as a Variant of Uncertain Significance. Algorithms developed to predict the effect of sequence changes on RNA splicing suggest that this variant may create or strengthen a splice site. Algorithms developed to predict the effect of missense changes on protein structure and function (SIFT, PolyPhen-2, Align-GVGD) all suggest that this variant is likely to be tolerated. This variant has not been reported in the literature in individuals affected with CARMIL2-related conditions. This variant is not present in population databases (gnomAD no frequency). This sequence change replaces aspartic acid, which is acidic and polar, with glutamic acid, which is acidic and polar, at codon 581 of the CARMIL2 protein (p.Asp581Glu).

NM_001013838.3(CARMIL2):c.1743T>A (p.Asp581Glu)

Gene: CARMIL2 (capping protein regulator and myosin 1 linker 2; plus strand). Cytogenetic location: 16q22.1.
Variant type: single nucleotide variant.
Coding change: c.1743T>A on transcript NM_001013838.3 (MANE Select); coding-DNA position 1743, T replaced by A.
Protein change: p.Asp581Glu; replaces aspartic acid 581 with glutamic acid.
Molecular consequence: missense variant.
Genome position (GRCh38, 1-based): chr16:67,649,308, T>A. VCF-style: chr16-67649308-T-A. GRCh37 (hg19) VCF-style: chr16-67683211-T-A.
Other names: c.1635T>A, p.Asp545Glu (NM_001317026.3); short protein forms D581E, D545E.
Identifiers: ClinVar variation 2128219 (VCV002128219.4), dbSNP rs2543552577, ClinGen allele CA396337480.